The following is an entry in ClinVar:

ClinVar aggregate classification (germline): Uncertain significance (1 of 4 stars; one submission).

Conditions:
Jeune thoracic dystrophy. Also called: Jeune syndrome; Infantile thoracic dystrophy; Thoracic pelvic phalangeal dystrophy; Jeune's syndrome; Chondroectodermal dysplasia-like syndrome; Short-rib thoracic dysplasia. Identifiers: Orphanet 474, MedGen C0265275, MONDO:0018770.

gnomAD v4.1: 16 of 1,588,162 alleles (0.001%); highest among the groups gnomAD compares: Non-Finnish European, 0.0014%; no homozygotes.

Submission:

Labcorp Genetics (formerly Invitae), Labcorp
Classification: Uncertain significance for Jeune thoracic dystrophy. Last evaluated: 2025-03-18. Review status: criteria provided, single submitter. Criteria: Invitae Variant Classification Sherloc (09022015). Collection method: clinical testing. Allele origin: germline.
Comment: This sequence change falls in intron 75 of the DYNC2H1 gene. It does not directly change the encoded amino acid sequence of the DYNC2H1 protein. This variant is present in population databases (rs775170432, gnomAD 0.002%). This variant has not been reported in the literature in individuals affected with DYNC2H1-related conditions. Algorithms developed to predict the effect of sequence changes on RNA splicing suggest that this variant may disrupt the consensus splice site. In summary, the available evidence is currently insufficient to determine the role of this variant in disease. Therefore, it has been classified as a Variant of Uncertain Significance.

NM_001377.3(DYNC2H1):c.11023-19T>G

Gene: DYNC2H1 (dynein cytoplasmic 2 heavy chain 1; plus strand). Cytogenetic location: 11q22.3.
Variant type: single nucleotide variant.
Coding change: c.11023-19T>G on transcript NM_001377.3 (MANE Select); 19 bases into the intron before coding-DNA position 11023, T replaced by G.
Molecular consequence: intron variant.
Genome position (GRCh38, 1-based): chr11:103,287,514, T>G. VCF-style: chr11-103287514-T-G. GRCh37 (hg19) VCF-style: chr11-103158243-T-G.
Other names: c.11044-19T>G (NM_001080463.2).
Identifiers: ClinVar variation 4768962 (VCV004768962.1).
Genomic context (GRCh38, chr11:103,287,514, plus strand): 5'-TAGTTAACATTAATTATTGTTTAGTTAAAGTAGTTGCAGCAACTTTATTCTTTAAAAATA[T>G]TCTGCATTTTATTTTAAGATTCTTGTAGTACAGGCGCTAAGACCGGACAGATTGCAAAGT-3'